The following is an entry in ClinVar:

ClinVar aggregate classification (germline): Uncertain significance (1 of 4 stars; one submission).

Allele frequency attached by ClinVar (database versions not stated): gnomAD exomes below 0.00001; gnomAD 0.00001.
gnomAD v4.1: 3 of 1,614,002 alleles (0.00019%); highest among the groups gnomAD compares: Non-Finnish European, 0.00025%; no homozygotes.

Submission:

Labcorp Genetics (formerly Invitae), Labcorp
Classification: Uncertain significance. Last evaluated: 2022-02-24. Review status: criteria provided, single submitter. Criteria: Invitae Variant Classification Sherloc (09022015). Collection method: clinical testing. Allele origin: germline.
Comment: In summary, the available evidence is currently insufficient to determine the role of this variant in disease. Therefore, it has been classified as a Variant of Uncertain Significance. Algorithms developed to predict the effect of missense changes on protein structure and function (SIFT, PolyPhen-2, Align-GVGD) all suggest that this variant is likely to be disruptive. This variant has not been reported in the literature in individuals affected with RHOBTB2-related conditions. This variant is not present in population databases (gnomAD no frequency). This sequence change replaces asparagine, which is neutral and polar, with serine, which is neutral and polar, at codon 224 of the RHOBTB2 protein (p.Asn224Ser).

NM_015178.3(RHOBTB2):c.605A>G (p.Asn202Ser)

Gene: RHOBTB2 (Rho related BTB domain containing 2; plus strand). Cytogenetic location: 8p21.3.
Variant type: single nucleotide variant.
Coding change: c.605A>G on transcript NM_015178.3 (MANE Select); coding-DNA position 605, A replaced by G.
Protein change: p.Asn202Ser; replaces asparagine 202 with serine.
Molecular consequence: missense variant.
Genome position (GRCh38, 1-based): chr8:23,006,850, A>G. VCF-style: chr8-23006850-A-G. GRCh37 (hg19) VCF-style: chr8-22864363-A-G.
Other names: c.671A>G, p.Asn224Ser (NM_001160036.2); c.626A>G, p.Asn209Ser (NM_001160037.2); c.605A>G, p.Asn202Ser (NM_001374791.1); short protein forms N224S, N202S, N209S.
Identifiers: ClinVar variation 2103047 (VCV002103047.4), dbSNP rs1585191044, ClinGen allele CA370564225.